The following is an entry in ClinVar:

ClinVar aggregate classification (germline): Conflicting classifications of pathogenicity. Review status: criteria provided, conflicting classifications (1 of 4 stars). 4 submissions from 4 submitters: Uncertain significance (2); Uncertain risk allele (1); Likely benign (1). Last evaluated 2024-03-28.

Conditions:
Diabetic retinopathy. Identifiers: MedGen C0011884, MONDO:0005266.
Familial thoracic aortic aneurysm and aortic dissection (TAAD). Also called: Thoracic aortic aneurysms and dissections. Identifiers: Orphanet 91387, MedGen C4707243, MONDO:0019625.

Allele frequency attached by ClinVar (database versions not stated): ExAC 0.00002; gnomAD exomes 0.00002 and 0.00003; TOPMed 0.00002; gnomAD 0.00003; 1000 Genomes Project 30x 0.00016; 1000 Genomes Project 0.00020.
gnomAD v4.1: 42 of 1,613,792 alleles (0.0026%); highest among the groups gnomAD compares: Admixed American, 0.0033%; no homozygotes.

Submissions (4):

GeneDx
Classification: Uncertain significance. Last evaluated: 2024-03-28. Review status: criteria provided, single submitter. Criteria: GeneDx Variant Classification Process June 2021. Collection method: clinical testing. Allele origin: germline. Affected: yes.
Comment: Has not been previously published as pathogenic or benign to our knowledge; Not observed at significant frequency in large population cohorts (gnomAD); In silico analysis supports that this missense variant does not alter protein structure/function; Reported using an alternate transcript of the gene

Labcorp Genetics (formerly Invitae), Labcorp
Classification: Likely benign for Familial thoracic aortic aneurysm and aortic dissection. Last evaluated: 2022-04-21. Review status: criteria provided, single submitter. Criteria: Invitae Variant Classification Sherloc (09022015). Collection method: clinical testing. Allele origin: germline.

CHEO Genetics Diagnostic Laboratory, Children's Hospital of Eastern Ontario
Classification: Uncertain significance for Familial thoracic aortic aneurysm and aortic dissection. Last evaluated: 2019-05-10. Review status: criteria provided, single submitter. Criteria: ACMG Guidelines, 2015. Collection method: clinical testing. Allele origin: germline.

Clinical Genomics, Uppaluri K&H Personalized Medicine Clinic
Classification: Uncertain risk allele for Diabetic retinopathy. Review status: criteria provided, single submitter. Criteria: K And H Uppaluri Personalized Medicine Clinic Variant Classification And Assertion Criteria Updated V 2. Collection method: research. Allele origin: unknown.
Comment: Potent mutations in TGFBR2 gene encodes the transforming growth factor that have been associated with angiogenesis and diabetic retinopathy. More clinical studies are needed for stronger association. However, more evidence is required to confer the association of this particular variant rs557449314 with diabetic retinopathy.

Literature cited by the submitters: PubMed 30222965 (cited by Clinical Genomics, Uppaluri K&H Personalized Medicine Clinic); PubMed 28162229 (cited by Clinical Genomics, Uppaluri K&H Personalized Medicine Clinic); PubMed 34572573 (cited by Clinical Genomics, Uppaluri K&H Personalized Medicine Clinic).

NM_003242.6(TGFBR2):c.94+16278G>C

Gene: TGFBR2 (transforming growth factor beta receptor 2; plus strand). Cytogenetic location: 3p24.1.
Variant type: single nucleotide variant.
Coding change: c.94+16278G>C on transcript NM_003242.6 (MANE Select); 16278 bases into the intron after coding-DNA position 94, G replaced by C.
Molecular consequence: intron variant. On other transcripts: missense variant (5).
Genome position (GRCh38, 1-based): chr3:30,623,255, G>C. VCF-style: chr3-30623255-G-C. GRCh37 (hg19) VCF-style: chr3-30664747-G-C.
Other names: c.151G>C, p.Ala51Pro (NM_001024847.3, NM_001407126.1, NM_001407137.1 and 1 more transcripts); c.103G>C, p.Ala35Pro (NM_001407128.1); c.-133G>C (NM_001407133.1); c.-143G>C (NM_001407136.1); short protein forms A51P, A35P.
Identifiers: ClinVar variation 414974 (VCV000414974.14), dbSNP rs557449314, ClinGen allele CA050436.
Genomic context (GRCh38, chr3:30,623,255, plus strand): 5'-ACAGATGTGGAAATGGAGGCCCAGAAAGATGAAATCATCTGCCCCAGCTGTAATAGGACT[G>C]CCCATCCACTGAGACATAGTAAAGTATCATTAATTAATCTTTTCATCATTTTTCTATTTT-3'